The following is an entry in ClinVar:

ClinVar aggregate classification (germline): Uncertain significance (1 of 4 stars; one submission).

Submissions (2):

Ambry Genetics
Classification: Uncertain significance. Last evaluated: 2025-11-17. Review status: criteria provided, single submitter. Criteria: Ambry Variant Classification Scheme 2023. Collection method: clinical testing. Allele origin: germline.
Comment: The p.A1502S variant (also known as c.4504G>T), located in coding exon 19 of the WNK2 gene, results from a G to T substitution at nucleotide position 4504. The alanine at codon 1502 is replaced by serine, an amino acid with similar properties. This amino acid position is conserved. In addition, this alteration is predicted to be tolerated by in silico analysis. Based on the available evidence, the clinical significance of this variant remains unclear.

Dr. Peter K. Rogan Lab, Western University
No classification provided (evidence only). Condition: Thymoma. Review status: no classification provided. Collection method: in vitro. Allele origin: not applicable. Functional consequence: retained intron. Not counted in ClinVar's aggregate classification.

NM_006648.4(WNK2):c.4504G>T (p.Ala1502Ser)

Gene: WNK2 (WNK lysine deficient protein kinase 2; plus strand). Cytogenetic location: 9q22.31.
Variant type: single nucleotide variant.
Coding change: c.4504G>T on transcript NM_006648.4 (MANE Select); coding-DNA position 4504, G replaced by T.
Protein change: p.Ala1502Ser; replaces alanine 1502 with serine.
Molecular consequence: missense variant.
Genome position (GRCh38, 1-based): chr9:93,289,258, G>T. VCF-style: chr9-93289258-G-T. GRCh37 (hg19) VCF-style: chr9-96051540-G-T.
Other names: NC_000009.11:g.96051540G>T; c.4615G>T, p.Ala1539Ser (NM_001282394.3); short protein forms A1539S, A1502S.
Identifiers: ClinVar variation 3982226 (VCV003982226.3).